The following is an entry in ClinVar:

ClinVar aggregate classification (germline): Likely benign (1 of 4 stars; one submission).

Conditions:
PADI6-related disorder. Also called: PADI6-related condition.

gnomAD v4.1: 103 of 1,610,720 alleles (0.0064%); highest among the groups gnomAD compares: Non-Finnish European, 0.0078%; 1 homozygote.

Submission:

PreventionGenetics, part of Exact Sciences
Classification: Likely benign for PADI6-related condition. Last evaluated: 2025-10-27. Review status: criteria provided, single submitter. Criteria: ACMG Guidelines, 2015. Collection method: clinical testing. Allele origin: germline.
Comment: This variant is classified as likely benign based on ACMG/AMP sequence variant interpretation guidelines (Richards et al. 2015 PMID: 25741868, with internal and published modifications).

NM_207421.4(PADI6):c.*8C>T

Gene: PADI6 (peptidyl arginine deiminase 6; plus strand). Cytogenetic location: 1p36.13.
Variant type: single nucleotide variant.
Coding change: c.*8C>T on transcript NM_207421.4 (MANE Select); 8 bases downstream of the stop codon, C replaced by T.
Molecular consequence: 3 prime UTR variant.
Genome position (GRCh38, 1-based): chr1:17,401,446, C>T. VCF-style: chr1-17401446-C-T. GRCh37 (hg19) VCF-style: chr1-17727942-C-T.
Identifiers: ClinVar variation 4979511 (VCV004979511.1).